The following is an entry in ClinVar:

ClinVar aggregate classification (germline): Uncertain significance. Review status: criteria provided, multiple submitters, no conflicts (2 of 4 stars). 2 submissions from 2 submitters: Uncertain significance (2). Last evaluated 2019-12-12.

Conditions:
Cornelia de Lange syndrome 4 (CDLS4). Also called: RAD21-Related Cornelia de Lange Syndrome; CORNELIA DE LANGE SYNDROME 4 WITH OR WITHOUT MIDLINE BRAIN DEFECTS. Identifiers: Orphanet 199, MedGen C3553517, MONDO:0013864, OMIM 614701.

Allele frequency attached by ClinVar (database versions not stated): gnomAD exomes below 0.00001.
gnomAD v4.1: 3 of 1,613,958 alleles (0.00019%); highest among the groups gnomAD compares: Non-Finnish European, 0.00017%; no homozygotes.

Submissions (2):

GeneDx
Classification: Uncertain significance. Last evaluated: 2019-12-12. Review status: criteria provided, single submitter. Criteria: GeneDx Variant Classification Process June 2021. Collection method: clinical testing. Allele origin: germline. Affected: yes.
Comment: Not observed in large population cohorts (Lek et al., 2016); In silico analysis, which includes protein predictors and evolutionary conservation, supports that this variant does not alter protein structure/function; Has not been previously published as pathogenic or benign to our knowledge

Geisinger Autism and Developmental Medicine Institute, Geisinger Health System
Classification: Uncertain significance for Cornelia de Lange syndrome 4. Last evaluated: 2017-10-26. Review status: criteria provided, single submitter. Criteria: ACMG Guidelines, 2015. Collection method: provider interpretation, clinical testing. Allele origin: paternal. Observed: 1 variant allele.
Comment: The variant has not been reported in population databases (ExAC and gnomAD). A different missense variant at the same amino acid residue has been reported in one individual from the Latino population (frequency of 0.0029%). Computional models are inconsistent.

NM_006265.3(RAD21):c.1852A>G (p.Ser618Gly)

Gene: RAD21 (RAD21 cohesin complex component; minus strand). Cytogenetic location: 8q24.11.
Variant type: single nucleotide variant.
Coding change: c.1852A>G on transcript NM_006265.3 (MANE Select); coding-DNA position 1852, A replaced by G.
Protein change: p.Ser618Gly; replaces serine 618 with glycine.
Molecular consequence: missense variant.
Genome position (GRCh38, 1-based): chr8:116,847,544, T>C on the plus strand (A>G on the coding strand, the complement: RAD21 is on the minus strand). VCF-style: chr8-116847544-T-C. GRCh37 (hg19) VCF-style: chr8-117859783-T-C.
Other names: short protein forms S618G.
Identifiers: ClinVar variation 452661 (VCV000452661.5), dbSNP rs1554610467, ClinGen allele CA371988894.
Genomic context (GRCh38, chr8:116,847,544, plus strand): 5'-TAATGCTTCTAGCTCCTTATATAATATGGAACCTTGGTCCAGGTGTTGCGATGATGTCAC[T>C]GTACGGTTCTTCCTGTGTCAGCTCAATAGCTTGCTGCTTTTTAAGAACCAAGAAGCTGTA-3'
Protein context (NP_006256.1, residues 608-628): AIELTQEEPY[Ser618Gly]DIIATPGPRF